The following is an entry in ClinVar:

ClinVar aggregate classification (germline): Uncertain significance (1 of 4 stars; one submission).

Conditions:
Acromesomelic dysplasia 1, Maroteaux type (AMD1). Also called: ST. HELENA DYSPLASIA; ACROMESOMELIC DYSPLASIA 1. Identifiers: Orphanet 40, MedGen C1864356, MONDO:0011275, OMIM 602875.
Tall stature-scoliosis-macrodactyly of the great toes syndrome. Also called: Epiphyseal chondrodysplasia, miura type. Identifiers: Orphanet 329191, MedGen C4014690, MONDO:0014401, OMIM 615923.

gnomAD v4.1: 1 of 1,613,456 alleles (0.000062%); highest among the groups gnomAD compares: Non-Finnish European, 0.000085%; no homozygotes.

Submission:

Labcorp Genetics (formerly Invitae), Labcorp
Classification: Uncertain significance for Tall stature-scoliosis-macrodactyly of the great toes syndrome; Acromesomelic dysplasia 1, Maroteaux type. Last evaluated: 2024-05-01. Review status: criteria provided, single submitter. Criteria: Invitae Variant Classification Sherloc (09022015). Collection method: clinical testing. Allele origin: germline.
Comment: This sequence change replaces alanine, which is neutral and non-polar, with valine, which is neutral and non-polar, at codon 289 of the NPR2 protein (p.Ala289Val). The frequency data for this variant in the population databases is considered unreliable, as metrics indicate poor data quality at this position in the gnomAD database. This variant has not been reported in the literature in individuals affected with NPR2-related conditions. Advanced modeling of protein sequence and biophysical properties (such as structural, functional, and spatial information, amino acid conservation, physicochemical variation, residue mobility, and thermodynamic stability) performed at Invitae indicates that this missense variant is not expected to disrupt NPR2 protein function with a negative predictive value of 80%. In summary, the available evidence is currently insufficient to determine the role of this variant in disease. Therefore, it has been classified as a Variant of Uncertain Significance.

NM_003995.4(NPR2):c.866C>T (p.Ala289Val)

Gene: NPR2 (natriuretic peptide receptor 2; plus strand). Cytogenetic location: 9p13.3.
Variant type: single nucleotide variant.
Coding change: c.866C>T on transcript NM_003995.4 (MANE Select); coding-DNA position 866, C replaced by T.
Protein change: p.Ala289Val; replaces alanine 289 with valine.
Molecular consequence: missense variant.
Genome position (GRCh38, 1-based): chr9:35,794,096, C>T. VCF-style: chr9-35794096-C-T. GRCh37 (hg19) VCF-style: chr9-35794093-C-T.
Other names: c.866C>T, p.Ala289Val (NM_001378923.1); short protein forms A289V.
Identifiers: ClinVar variation 3761563 (VCV003761563.2).
Genomic context (GRCh38, chr9:35,794,096, plus strand): 5'-CTACAGGCCGGCCCTGGCAGGACAATCGCACCCGGGAACAGGCCCAGGCCCTCAGAGAGG[C>T]CTTTCAGGTATCATTTGAGCCAAATCTGAAGGAGGAGGGGGAAGAGGTGCTTCGCTGGAA-3'
Protein context (NP_003986.2, residues 279-299): TREQAQALRE[Ala289Val]FQTVLVITYR